The following is an entry in ClinVar:

ClinVar aggregate classification (germline): Uncertain significance (1 of 4 stars; one submission).

Conditions:
Aortic aneurysm, familial thoracic 8 (AAT8). Identifiers: MedGen C3809513, MONDO:0014187, OMIM 615436.

Submission:

Labcorp Genetics (formerly Invitae), Labcorp
Classification: Uncertain significance for Aortic aneurysm, familial thoracic 8. Last evaluated: 2023-01-08. Review status: criteria provided, single submitter. Criteria: Invitae Variant Classification Sherloc (09022015). Collection method: clinical testing. Allele origin: germline.
Comment: In summary, the available evidence is currently insufficient to determine the role of this variant in disease. Therefore, it has been classified as a Variant of Uncertain Significance. Algorithms developed to predict the effect of missense changes on protein structure and function (SIFT, PolyPhen-2, Align-GVGD) all suggest that this variant is likely to be tolerated. This variant has not been reported in the literature in individuals affected with PRKG1-related conditions. This variant is not present in population databases (gnomAD no frequency). This sequence change replaces alanine, which is neutral and non-polar, with proline, which is neutral and non-polar, at codon 368 of the PRKG1 protein (p.Ala368Pro).

NM_006258.4(PRKG1):c.1102G>C (p.Ala368Pro)

Gene: PRKG1 (protein kinase cGMP-dependent 1; plus strand). Cytogenetic location: 10q21.1.
Variant type: single nucleotide variant.
Coding change: c.1102G>C on transcript NM_006258.4 (MANE Select); coding-DNA position 1102, G replaced by C.
Protein change: p.Ala368Pro; replaces alanine 368 with proline.
Molecular consequence: missense variant. On other transcripts: 5 prime UTR variant (1).
Genome position (GRCh38, 1-based): chr10:52,251,595, G>C. VCF-style: chr10-52251595-G-C. GRCh37 (hg19) VCF-style: chr10-54011355-G-C.
Other names: c.1057G>C, p.Ala353Pro (NM_001098512.3); c.-108G>C (NM_001374781.1); short protein forms A368P, A353P.
Identifiers: ClinVar variation 2826980 (VCV002826980.3), dbSNP rs755634503, ClinGen allele CA376534670.